The following is an entry in ClinVar:

NM_017947.4(MOCOS):c.2254C>T (p.Arg752Trp)

Gene: MOCOS (molybdenum cofactor sulfurase; plus strand). Cytogenetic location: 18q12.2.
Variant type: single nucleotide variant.
Coding change: c.2254C>T on transcript NM_017947.4 (MANE Select); coding-DNA position 2254, C replaced by T.
Protein change: p.Arg752Trp; replaces arginine 752 with tryptophan.
Molecular consequence: missense variant.
Genome position (GRCh38, 1-based): chr18:36,257,057, C>T. VCF-style: chr18-36257057-C-T. GRCh37 (hg19) VCF-style: chr18-33837020-C-T.
Other names: short protein forms R752W.
Identifiers: ClinVar variation 1395167 (VCV001395167.8), dbSNP rs143831554, ClinGen allele CA8940991.

ClinVar aggregate classification (germline): Uncertain significance. Review status: criteria provided, multiple submitters, no conflicts (2 of 4 stars). 3 submissions from 3 submitters: Uncertain significance (3). Last evaluated 2024-08-05.

Conditions:
Xanthinuria type II. Also called: Xanthine dehydrogenase and aldehyde oxidase combined deficiency of; XDH and AOX dual deficiency. Identifiers: Orphanet 3467, Orphanet 93602, MedGen C1863688, MONDO:0011346, OMIM 603592.

Allele frequency attached by ClinVar (database versions not stated): 1000 Genomes Project 30x 0.00016; 1000 Genomes Project 0.00020; gnomAD exomes 0.00032; ExAC 0.00033; TOPMed 0.00037; gnomAD 0.00039 and 0.00040; ESP Exome Variant Server 0.00069.
gnomAD v4.1: 1,019 of 1,613,746 alleles (0.063%); highest among the groups gnomAD compares: Non-Finnish European, 0.077%; 1 homozygote.

Submissions (3):

Blueprint Genetics
Classification: Uncertain significance. Last evaluated: 2024-08-05. Review status: criteria provided, single submitter. Criteria: ACMG Guidelines, 2015. Collection method: clinical testing. Allele origin: germline.

Fulgent Genetics
Classification: Uncertain significance for Xanthinuria type II. Last evaluated: 2024-06-12. Review status: criteria provided, single submitter. Criteria: ACMG Guidelines, 2015. Collection method: clinical testing. Allele origin: germline.

Labcorp Genetics (formerly Invitae), Labcorp
Classification: Uncertain significance for Xanthinuria type II. Last evaluated: 2022-08-31. Review status: criteria provided, single submitter. Criteria: Invitae Variant Classification Sherloc (09022015). Collection method: clinical testing. Allele origin: germline.
Comment: This sequence change replaces arginine, which is basic and polar, with tryptophan, which is neutral and slightly polar, at codon 752 of the MOCOS protein (p.Arg752Trp). This variant is present in population databases (rs143831554, gnomAD 0.05%). This variant has not been reported in the literature in individuals affected with MOCOS-related conditions. ClinVar contains an entry for this variant (Variation ID: 1395167). Algorithms developed to predict the effect of missense changes on protein structure and function are either unavailable or do not agree on the potential impact of this missense change (SIFT: "Deleterious"; PolyPhen-2: "Possibly Damaging"; Align-GVGD: "Class C0"). In summary, the available evidence is currently insufficient to determine the role of this variant in disease. Therefore, it has been classified as a Variant of Uncertain Significance.